The following is an entry in ClinVar:

ClinVar aggregate classification (germline): Uncertain significance (1 of 4 stars; one submission).

Submission:

Labcorp Genetics (formerly Invitae), Labcorp
Classification: Uncertain significance. Last evaluated: 2023-04-28. Review status: criteria provided, single submitter. Criteria: Invitae Variant Classification Sherloc (09022015). Collection method: clinical testing. Allele origin: germline.
Comment: Advanced modeling of protein sequence and biophysical properties (such as structural, functional, and spatial information, amino acid conservation, physicochemical variation, residue mobility, and thermodynamic stability) performed at Invitae indicates that this missense variant is not expected to disrupt HOXB13 protein function. This sequence change replaces histidine, which is basic and polar, with arginine, which is basic and polar, at codon 206 of the HOXB13 protein (p.His206Arg). This variant is not present in population databases (gnomAD no frequency). This variant has not been reported in the literature in individuals affected with HOXB13-related conditions. In summary, the available evidence is currently insufficient to determine the role of this variant in disease. Therefore, it has been classified as a Variant of Uncertain Significance.

NM_006361.6(HOXB13):c.617A>G (p.His206Arg)

Gene: HOXB13 (homeobox B13; minus strand). Cytogenetic location: 17q21.32.
Variant type: single nucleotide variant.
Coding change: c.617A>G on transcript NM_006361.6 (MANE Select); coding-DNA position 617, A replaced by G.
Protein change: p.His206Arg; replaces histidine 206 with arginine.
Molecular consequence: missense variant.
Genome position (GRCh38, 1-based): chr17:48,727,028, T>C on the plus strand (A>G on the coding strand, the complement: HOXB13 is on the minus strand). VCF-style: chr17-48727028-T-C. GRCh37 (hg19) VCF-style: chr17-46804390-T-C.
Other names: short protein forms H206R.
Identifiers: ClinVar variation 2860004 (VCV002860004.3), dbSNP rs1597933012, ClinGen allele CA400107045.